The following is an entry in ClinVar:

ClinVar aggregate classification (germline): Uncertain significance. Review status: criteria provided, multiple submitters, no conflicts (2 of 4 stars). 4 submissions from 4 submitters: Uncertain significance (4). Last evaluated 2025-05-11.

Conditions:
DDX41-related hematologic malignancy predisposition syndrome. Also called: Myeloproliferative/lymphoproliferative neoplasms, familial (multiple types), susceptibility to; DDX41-Associated Familial Myelodysplastic Syndrome and Acute Myeloid Leukemia. Identifiers: Orphanet 488647, MedGen C4225174, MONDO:0014809, OMIM 616871.
Inborn genetic diseases. Identifiers: MedGen C0950123, MeSH D030342.

Allele frequency attached by ClinVar (database versions not stated): gnomAD 0.00001; gnomAD exomes 0.00002 and 0.00004; ExAC 0.00003.
gnomAD v4.1: 29 of 1,614,156 alleles (0.0018%); highest among the groups gnomAD compares: Middle Eastern, 0.033%; no homozygotes.

Submissions (4):

Labcorp Genetics (formerly Invitae), Labcorp
Classification: Uncertain significance. Last evaluated: 2025-05-11. Review status: criteria provided, single submitter. Criteria: Invitae Variant Classification Sherloc (09022015). Collection method: clinical testing. Allele origin: germline.
Comment: This sequence change replaces arginine, which is basic and polar, with glutamine, which is neutral and polar, at codon 164 of the DDX41 protein (p.Arg164Gln). This variant is present in population databases (rs761993024, gnomAD 0.03%). This missense change has been observed in individual(s) with clinical features of DDX41-related conditions (PMID: 35671390). This variant is also known as R164N. ClinVar contains an entry for this variant (Variation ID: 1313207). An algorithm developed to predict the effect of missense changes on protein structure and function (PolyPhen-2) suggests that this variant is likely to be disruptive. In summary, the available evidence is currently insufficient to determine the role of this variant in disease. Therefore, it has been classified as a Variant of Uncertain Significance.

Ambry Genetics
Classification: Uncertain significance for Inborn genetic diseases. Last evaluated: 2024-08-23. Review status: criteria provided, single submitter. Criteria: Ambry Variant Classification Scheme 2023. Collection method: clinical testing. Allele origin: germline.
Comment: The p.R164Q variant (also known as c.491G>A), located in coding exon 6 of the DDX41 gene, results from a G to A substitution at nucleotide position 491. The arginine at codon 164 is replaced by glutamine, an amino acid with highly similar properties. This variant was reported in individual(s) with features of DDX41-related hematologic malignancy predisposition syndrome (Li P et al. Blood, 2022 Aug;140:716-755). This amino acid position is highly conserved in available vertebrate species. In addition, this alteration is predicted to be tolerated by in silico analysis. Based on the available evidence, the clinical significance of this variant remains unclear.

Baylor Genetics
Classification: Uncertain significance for DDX41-related hematologic malignancy predisposition syndrome. Last evaluated: 2024-01-19. Review status: criteria provided, single submitter. Criteria: ACMG Guidelines, 2015. Collection method: clinical testing. Allele origin: unknown.

GeneDx
Classification: Uncertain significance. Last evaluated: 2020-09-21. Review status: criteria provided, single submitter. Criteria: GeneDx Variant Classification Process June 2021. Collection method: clinical testing. Allele origin: germline. Affected: yes.
Comment: In silico analysis supports that this missense variant has a deleterious effect on protein structure/function; Has not been previously published as pathogenic or benign germline variant to our knowledge

Literature cited by the submitters: PubMed 35671390 (cited by Labcorp Genetics (formerly Invitae), Labcorp and Ambry Genetics).

NM_016222.4(DDX41):c.491G>A (p.Arg164Gln)

Gene: DDX41 (DEAD-box helicase 41; minus strand). Cytogenetic location: 5q35.3.
Variant type: single nucleotide variant.
Coding change: c.491G>A on transcript NM_016222.4 (MANE Select); coding-DNA position 491, G replaced by A.
Protein change: p.Arg164Gln; replaces arginine 164 with glutamine.
Molecular consequence: missense variant.
Genome position (GRCh38, 1-based): chr5:177,515,765, C>T on the plus strand (G>A on the coding strand, the complement: DDX41 is on the minus strand). VCF-style: chr5-177515765-C-T. GRCh37 (hg19) VCF-style: chr5-176942766-C-T.
Other names: c.113G>A, p.Arg38Gln (NM_001321732.2, NM_001321830.2); short protein forms R164Q, R38Q.
Identifiers: ClinVar variation 1313207 (VCV001313207.5), dbSNP rs761993024, ClinGen allele CA3585183.